The following is an entry in ClinVar:

NM_015072.5(TTLL5):c.2262C>T (p.Asp754=)

Gene: TTLL5 (tubulin tyrosine ligase like 5; plus strand). Cytogenetic location: 14q24.3.
Variant type: single nucleotide variant.
Coding change: c.2262C>T on transcript NM_015072.5 (MANE Select); coding-DNA position 2262, C replaced by T.
Protein change: p.Asp754=; no amino-acid change (aspartic acid 754 retained).
Molecular consequence: synonymous variant.
Genome position (GRCh38, 1-based): chr14:75,775,609, C>T. VCF-style: chr14-75775609-C-T. GRCh37 (hg19) VCF-style: chr14-76241952-C-T.
Identifiers: ClinVar variation 790858 (VCV000790858.14), dbSNP rs767367069, ClinGen allele CA7279656.

ClinVar aggregate classification (germline): Likely benign. Review status: criteria provided, multiple submitters, no conflicts (2 of 4 stars). 4 submissions from 4 submitters: Likely benign (3). 1 of the submissions does not count toward it. Last evaluated 2025-02-24.

Conditions:
TTLL5-related disorder. Also called: TTLL5-related condition.

Allele frequency attached by ClinVar (database versions not stated): gnomAD exomes 0.00007; TOPMed 0.00010; ExAC 0.00015; gnomAD 0.00022.
gnomAD v4.1: 116 of 1,614,062 alleles (0.0072%); highest among the groups gnomAD compares: East Asian, 0.19%; no homozygotes.

Submissions (4):

Labcorp Genetics (formerly Invitae), Labcorp
Classification: Likely benign. Last evaluated: 2025-02-24. Review status: criteria provided, single submitter. Criteria: Invitae Variant Classification Sherloc (09022015). Collection method: clinical testing. Allele origin: germline.

Blueprint Genetics
Classification: Likely benign. Last evaluated: 2024-07-04. Review status: criteria provided, single submitter. Criteria: ACMG Guidelines, 2015. Collection method: clinical testing. Allele origin: germline.

Breakthrough Genomics
Classification: Likely benign. Review status: criteria provided, single submitter. Criteria: ACMG Guidelines, 2015. Collection method: not provided. Allele origin: germline. Inheritance: Autosomal recessive inheritance. Affected: yes.

PreventionGenetics, part of Exact Sciences
Classification: Likely benign for TTLL5-related condition. Last evaluated: 2020-03-09. Review status: no assertion criteria provided. Collection method: clinical testing. Allele origin: germline. Not counted in ClinVar's aggregate classification.
Comment: This variant is classified as likely benign based on ACMG/AMP sequence variant interpretation guidelines (Richards et al. 2015 PMID: 25741868, with internal and published modifications).